The following is an entry in ClinVar:

ClinVar aggregate classification (germline): Uncertain significance. Review status: criteria provided, multiple submitters, no conflicts (2 of 4 stars). 2 submissions from 2 submitters: Uncertain significance (2). Last evaluated 2025-06-09.

Conditions:
Tuberous sclerosis 2 (TSC2). Identifiers: Orphanet 805, MedGen C1860707, MONDO:0013199, OMIM 613254.
Hereditary cancer-predisposing syndrome. Also called: Neoplastic Syndromes, Hereditary; Hereditary Cancer Syndrome; Hereditary neoplastic syndrome; Tumor predisposition. Identifiers: Orphanet 140162, MedGen C0027672, MeSH D009386, MONDO:0015356.

Submissions (2):

Labcorp Genetics (formerly Invitae), Labcorp
Classification: Uncertain significance for Tuberous sclerosis 2. Last evaluated: 2025-06-09. Review status: criteria provided, single submitter. Criteria: Invitae Variant Classification Sherloc (09022015). Collection method: clinical testing. Allele origin: germline.
Comment: This sequence change replaces proline, which is neutral and non-polar, with leucine, which is neutral and non-polar, at codon 497 of the TSC2 protein (p.Pro497Leu). This variant is not present in population databases (gnomAD no frequency). This variant has not been reported in the literature in individuals affected with TSC2-related conditions. ClinVar contains an entry for this variant (Variation ID: 643571). Invitae Evidence Modeling of protein sequence and biophysical properties (such as structural, functional, and spatial information, amino acid conservation, physicochemical variation, residue mobility, and thermodynamic stability) indicates that this missense variant is not expected to disrupt TSC2 protein function with a negative predictive value of 95%. In summary, the available evidence is currently insufficient to determine the role of this variant in disease. Therefore, it has been classified as a Variant of Uncertain Significance.

Ambry Genetics
Classification: Uncertain significance for Hereditary cancer-predisposing syndrome. Last evaluated: 2025-03-10. Review status: criteria provided, single submitter. Criteria: Ambry Variant Classification Scheme 2023. Collection method: clinical testing. Allele origin: germline.
Comment: The p.P497L variant (also known as c.1490C>T), located in coding exon 14 of the TSC2 gene, results from a C to T substitution at nucleotide position 1490. The proline at codon 497 is replaced by leucine, an amino acid with similar properties. This amino acid position is not well conserved in available vertebrate species. In addition, the in silico prediction for this alteration is inconclusive. Based on the available evidence, the clinical significance of this variant remains unclear.

NM_000548.5(TSC2):c.1490C>T (p.Pro497Leu)

Gene: TSC2 (TSC complex subunit 2; plus strand). Cytogenetic location: 16p13.3.
Variant type: single nucleotide variant.
Coding change: c.1490C>T on transcript NM_000548.5 (MANE Select); coding-DNA position 1490, C replaced by T.
Protein change: p.Pro497Leu; replaces proline 497 with leucine.
Molecular consequence: missense variant.
Genome position (GRCh38, 1-based): chr16:2,064,318, C>T. VCF-style: chr16-2064318-C-T. GRCh37 (hg19) VCF-style: chr16-2114319-C-T.
Other names: c.1490C>T, p.Pro497Leu (NM_001077183.3, NM_001114382.3, NM_001363528.2 and 3 more transcripts); c.1379C>T, p.Pro460Leu (NM_001318827.2); c.1343C>T, p.Pro448Leu (NM_001318829.2); c.890C>T, p.Pro297Leu (NM_001318831.2); c.1523C>T, p.Pro508Leu (NM_001318832.2); short protein forms P460L, P297L, P497L, P448L, P508L.
Identifiers: ClinVar variation 643571 (VCV000643571.10), dbSNP rs1484576810, ClinGen allele CA394325957.